The following is an entry in ClinVar:

NM_177438.3(DICER1):c.590C>G (p.Pro197Arg)

Gene: DICER1 (dicer 1, ribonuclease III; minus strand). Cytogenetic location: 14q32.13.
Variant type: single nucleotide variant.
Coding change: c.590C>G on transcript NM_177438.3 (MANE Select); coding-DNA position 590, C replaced by G.
Protein change: p.Pro197Arg; replaces proline 197 with arginine.
Molecular consequence: missense variant.
Genome position (GRCh38, 1-based): chr14:95,129,616, G>C on the plus strand (C>G on the coding strand, the complement: DICER1 is on the minus strand). VCF-style: chr14-95129616-G-C. GRCh37 (hg19) VCF-style: chr14-95595953-G-C.
Other names: c.590C>G, p.Pro197Arg (NM_001195573.1, NM_001271282.3, NM_001291628.2 and 1 more transcripts); c.590C>G (NM_177438.2); short protein forms P197R.
Identifiers: ClinVar variation 1005194 (VCV001005194.11), dbSNP rs1060503642, ClinGen allele CA390888271.

ClinVar aggregate classification (germline): Uncertain significance. Review status: criteria provided, multiple submitters, no conflicts (2 of 4 stars). 2 submissions from 2 submitters: Uncertain significance (2). Last evaluated 2024-07-03.

Conditions:
Hereditary cancer-predisposing syndrome. Also called: Hereditary neoplastic syndrome; Neoplastic Syndromes, Hereditary; Tumor predisposition; Hereditary Cancer Syndrome. Identifiers: Orphanet 140162, MedGen C0027672, MeSH D009386, MONDO:0015356.
DICER1-related tumor predisposition. Also called: DICER1 syndrome; DICER1-related pleuropulmonary blastoma cancer predisposition syndrome. Identifiers: Orphanet 284343, MedGen C3839822, MONDO:0100216.

Submissions (2):

Ambry Genetics
Classification: Uncertain significance for Hereditary cancer-predisposing syndrome. Last evaluated: 2024-07-03. Review status: criteria provided, single submitter. Criteria: Ambry Variant Classification Scheme 2023. Collection method: clinical testing. Allele origin: germline.
Comment: The p.P197R variant (also known as c.590C>G), located in coding exon 5 of the DICER1 gene, results from a C to G substitution at nucleotide position 590. The proline at codon 197 is replaced by arginine, an amino acid with dissimilar properties. This amino acid position is conserved. In addition, this alteration is predicted to be tolerated by in silico analysis. Based on the available evidence, the clinical significance of this variant remains unclear.

Labcorp Genetics (formerly Invitae), Labcorp
Classification: Uncertain significance for DICER1-related tumor predisposition. Last evaluated: 2020-06-19. Review status: criteria provided, single submitter. Criteria: Invitae Variant Classification Sherloc (09022015). Collection method: clinical testing. Allele origin: germline.
Comment: This variant has not been reported in the literature in individuals with DICER1-related conditions. Algorithms developed to predict the effect of missense changes on protein structure and function (SIFT, PolyPhen-2, Align-GVGD) all suggest that this variant is likely to be tolerated, but these predictions have not been confirmed by published functional studies and their clinical significance is uncertain. In summary, the available evidence is currently insufficient to determine the role of this variant in disease. Therefore, it has been classified as a Variant of Uncertain Significance. This sequence change replaces proline with arginine at codon 197 of the DICER1 protein (p.Pro197Arg). The proline residue is moderately conserved and there is a moderate physicochemical difference between proline and arginine. This variant is not present in population databases (ExAC no frequency).